The following is an entry in ClinVar:

NM_014727.3(KMT2B):c.3942G>C (p.Trp1314Cys)

Gene: KMT2B (lysine methyltransferase 2B; plus strand). Cytogenetic location: 19q13.12.
Variant type: single nucleotide variant.
Coding change: c.3942G>C on transcript NM_014727.3 (MANE Select); coding-DNA position 3942, G replaced by C.
Protein change: p.Trp1314Cys; replaces tryptophan 1314 with cysteine.
Molecular consequence: missense variant.
Genome position (GRCh38, 1-based): chr19:35,726,292, G>C. VCF-style: chr19-35726292-G-C. GRCh37 (hg19) VCF-style: chr19-36217193-G-C.
Other names: short protein forms W1314C.
Identifiers: ClinVar variation 2576709 (VCV002576709.28), dbSNP rs1282762823, ClinGen allele CA405411631.

ClinVar aggregate classification (germline): Uncertain significance. Review status: criteria provided, multiple submitters, no conflicts (2 of 4 stars). 3 submissions from 3 submitters: Uncertain significance (3). Last evaluated 2024-04-15.

Allele frequency attached by ClinVar (database versions not stated): gnomAD exomes 0.00001; TOPMed below 0.00001; gnomAD 0.00001.
gnomAD v4.1: 13 of 1,613,794 alleles (0.00081%); highest among the groups gnomAD compares: Non-Finnish European, 0.001%; no homozygotes.

Submissions (3):

Labcorp Genetics (formerly Invitae), Labcorp
Classification: Uncertain significance. Last evaluated: 2024-04-15. Review status: criteria provided, single submitter. Criteria: Invitae Variant Classification Sherloc (09022015). Collection method: clinical testing. Allele origin: germline.
Comment: This sequence change replaces tryptophan, which is neutral and slightly polar, with cysteine, which is neutral and slightly polar, at codon 1314 of the KMT2B protein (p.Trp1314Cys). This variant is not present in population databases (gnomAD no frequency). This variant has not been reported in the literature in individuals affected with KMT2B-related conditions. ClinVar contains an entry for this variant (Variation ID: 2576709). Advanced modeling of protein sequence and biophysical properties (such as structural, functional, and spatial information, amino acid conservation, physicochemical variation, residue mobility, and thermodynamic stability) has been performed at Invitae for this missense variant, however the output from this modeling did not meet the statistical confidence thresholds required to predict the impact of this variant on KMT2B protein function. In summary, the available evidence is currently insufficient to determine the role of this variant in disease. Therefore, it has been classified as a Variant of Uncertain Significance.

GeneDx
Classification: Uncertain significance. Last evaluated: 2023-08-17. Review status: criteria provided, single submitter. Criteria: GeneDx Variant Classification Process June 2021. Collection method: clinical testing. Allele origin: germline. Affected: yes.
Comment: Not observed in large population cohorts (gnomAD); In silico analysis supports that this missense variant has a deleterious effect on protein structure/function; Has not been previously published as pathogenic or benign to our knowledge

CeGaT Center for Human Genetics Tuebingen
Classification: Uncertain significance. Last evaluated: 2022-07-01. Review status: criteria provided, single submitter. Criteria: CeGaT Center For Human Genetics Tuebingen Variant Classification Criteria Version 2. Collection method: clinical testing. Allele origin: germline. Affected: yes. Observed: 1 variant allele.
Comment: KMT2B: PM2, PP3